The following is an entry in ClinVar:

NM_001165963.4(SCN1A):c.2272A>C (p.Lys758Gln)

Gene: SCN1A (sodium voltage-gated channel alpha subunit 1; minus strand). Cytogenetic location: 2q24.3.
Variant type: single nucleotide variant.
Coding change: c.2272A>C on transcript NM_001165963.4 (MANE Select); coding-DNA position 2272, A replaced by C.
Protein change: p.Lys758Gln; replaces lysine 758 with glutamine.
Molecular consequence: missense variant. On other transcripts: 5 prime UTR variant (1), non-coding transcript variant (1).
Genome position (GRCh38, 1-based): chr2:166,041,374, T>G on the plus strand (A>C on the coding strand, the complement: SCN1A is on the minus strand). VCF-style: chr2-166041374-T-G. GRCh37 (hg19) VCF-style: chr2-166897884-T-G.
Other names: c.2188A>C, p.Lys730Gln (NM_001165964.3, NM_001353957.2, NM_001353958.2); c.2272A>C, p.Lys758Gln (NM_001202435.3, NM_001353948.2); c.2239A>C, p.Lys747Gln (NM_001353949.2, NM_001353950.2, NM_001353951.2 and 2 more transcripts); c.2236A>C, p.Lys746Gln (NM_001353954.2, NM_001353955.2); c.2185A>C, p.Lys729Gln (NM_001353960.2); c.-187A>C (NM_001353961.2); short protein forms K747Q, K758Q, K746Q, K729Q, K730Q.
Identifiers: ClinVar variation 206780 (VCV000206780.7), dbSNP rs1553543316, ClinGen allele CA317283.

ClinVar aggregate classification (germline): Pathogenic (1 of 4 stars; one submission).

Conditions:
Early-infantile DEE. Also called: Ohtahara syndrome; Early infantile epileptic encephalopathy; Early infantile epileptic encephalopathy with suppression bursts. Identifiers: Orphanet 1934, MedGen C0393706, MONDO:0800491.

Allele frequency attached by ClinVar (database versions not stated): gnomAD exomes below 0.00001; TOPMed below 0.00001.
gnomAD v4.1: 1 of 1,613,800 alleles (0.000062%); highest among the groups gnomAD compares: Non-Finnish European, 0.000085%; no homozygotes.

Submission:

Labcorp Genetics (formerly Invitae), Labcorp
Classification: Pathogenic for Early-infantile DEE. Last evaluated: 2022-11-15. Review status: criteria provided, single submitter. Criteria: Invitae Variant Classification Sherloc (09022015). Collection method: clinical testing. Allele origin: germline.
Comment: This sequence change replaces lysine, which is basic and polar, with glutamine, which is neutral and polar, at codon 758 of the SCN1A protein (p.Lys758Gln). For these reasons, this variant has been classified as Pathogenic. Advanced modeling of protein sequence and biophysical properties (such as structural, functional, and spatial information, amino acid conservation, physicochemical variation, residue mobility, and thermodynamic stability) performed at Invitae indicates that this missense variant is expected to disrupt SCN1A protein function. ClinVar contains an entry for this variant (Variation ID: 206780). This missense change has been observed in individuals with clinical features of SCN1A-related conditions (Invitae). This variant is not present in population databases (gnomAD no frequency).